The following is an entry in ClinVar:

NM_139076.3(ABRAXAS1):c.178+1965A>G

Gene: ABRAXAS1 (abraxas 1, BRCA1 A complex subunit; minus strand). Cytogenetic location: 4q21.23.
Variant type: single nucleotide variant.
Coding change: c.178+1965A>G on transcript NM_139076.3 (MANE Select); 1965 bases into the intron after coding-DNA position 178, A replaced by G.
Molecular consequence: intron variant.
Genome position (GRCh38, 1-based): chr4:83,480,189, T>C on the plus strand (A>G on the coding strand, the complement: ABRAXAS1 is on the minus strand). VCF-style: chr4-83480189-T-C. GRCh37 (hg19) VCF-style: chr4-84401342-T-C.
Other names: c.-83+1965A>G (NM_001345962.2).
Identifiers: ClinVar variation 3905025 (VCV003905025.10).

ClinVar aggregate classification (germline): Likely benign (1 of 4 stars; one submission).

Submission:

CeGaT Center for Human Genetics Tuebingen
Classification: Likely benign. Last evaluated: 2025-05-01. Review status: criteria provided, single submitter. Criteria: CeGaT Center For Human Genetics Tuebingen Variant Classification Criteria Version 2. Collection method: clinical testing. Allele origin: germline. Affected: yes. Observed: 1 variant allele.
Comment: ABRAXAS1: PM2:Supporting, BP4, BP7